The following is an entry in ClinVar:

NM_002291.3(LAMB1):c.1114C>T (p.Arg372Cys)

Gene: LAMB1 (laminin subunit beta 1; minus strand). Cytogenetic location: 7q31.1.
Variant type: single nucleotide variant.
Coding change: c.1114C>T on transcript NM_002291.3 (MANE Select); coding-DNA position 1114, C replaced by T.
Protein change: p.Arg372Cys; replaces arginine 372 with cysteine.
Molecular consequence: missense variant.
Genome position (GRCh38, 1-based): chr7:107,975,764, G>A on the plus strand (C>T on the coding strand, the complement: LAMB1 is on the minus strand). VCF-style: chr7-107975764-G-A. GRCh37 (hg19) VCF-style: chr7-107616209-G-A.
Other names: short protein forms R372C.
Identifiers: ClinVar variation 4697318 (VCV004697318.1).
Genomic context (GRCh38, chr7:107,975,764, plus strand): 5'-GATCTCGGATGTCCCTCTCTGGGTGCTGGTAGTAAAACGGCTTGCACTGCTCACAGTTGC[G>A]CCCCATGGTGTTGTGCTGACAGTCATCACACACGCCTCCGCTGACGTTCCCCGTGGCCAG-3'
Protein context (NP_002282.2, residues 362-382): CDDCQHNTMG[Arg372Cys]NCEQCKPFYY

ClinVar aggregate classification (germline): Uncertain significance (1 of 4 stars; one submission).

Submission:

Labcorp Genetics (formerly Invitae), Labcorp
Classification: Uncertain significance. Last evaluated: 2025-12-15. Review status: criteria provided, single submitter. Criteria: Invitae Variant Classification Sherloc (09022015). Collection method: clinical testing. Allele origin: germline.
Comment: This sequence change replaces arginine, which is basic and polar, with cysteine, which is neutral and slightly polar, at codon 372 of the LAMB1 protein (p.Arg372Cys). This variant is not present in population databases (gnomAD no frequency). This variant has not been reported in the literature in individuals affected with LAMB1-related conditions. An algorithm developed to predict the effect of missense changes on protein structure and function (PolyPhen-2) suggests that this variant is likely to be disruptive. In summary, the available evidence is currently insufficient to determine the role of this variant in disease. Therefore, it has been classified as a Variant of Uncertain Significance.